The following is an entry in ClinVar:

NM_001267550.2(TTN):c.36237G>C (p.Lys12079Asn)

Gene: TTN (titin; minus strand). Cytogenetic location: 2q31.2.
Variant type: single nucleotide variant.
Coding change: c.36237G>C on transcript NM_001267550.2 (MANE Select); coding-DNA position 36237, G replaced by C.
Protein change: p.Lys12079Asn; replaces lysine 12079 with asparagine.
Molecular consequence: missense variant. On other transcripts: intron variant (5).
Genome position (GRCh38, 1-based): chr2:178,664,503, C>G on the plus strand (G>C on the coding strand, the complement: TTN is on the minus strand). VCF-style: chr2-178664503-C-G. GRCh37 (hg19) VCF-style: chr2-179529230-C-G.
Other names: c.13283-22186G>C (NM_003319.4); c.13859-22186G>C (NM_133437.4); c.13658-22186G>C (NM_133432.3); c.31484-1448G>C (NM_133378.4); c.34265-1448G>C (NM_001256850.1); short protein forms K12079N.
Identifiers: ClinVar variation 4988361 (VCV004988361.1).

ClinVar aggregate classification (germline): Uncertain significance (1 of 4 stars; one submission).

Conditions:
TTN-related disorder. Also called: TTN-related disorders; TTN-related condition; TTN-related disease.

gnomAD v4.1: 23 of 1,612,238 alleles (0.0014%); highest among the groups gnomAD compares: Non-Finnish European, 0.0018%; no homozygotes.

Submission:

PreventionGenetics, part of Exact Sciences
Classification: Uncertain significance for TTN-related condition. Last evaluated: 2026-02-22. Review status: criteria provided, single submitter. Criteria: ACMG Guidelines, 2015. Collection method: clinical testing. Allele origin: germline.
Comment: The TTN c.36237G>C variant is predicted to result in the amino acid substitution p.Lys12079Asn. To our knowledge, this variant has not been reported in the literature. This variant is reported in 0.0028% of alleles in individuals of European (Non-Finnish) descent in gnomAD. At this time, the clinical significance of this variant is uncertain due to the absence of conclusive functional and genetic evidence.